The following is an entry in ClinVar:

NM_000069.3(CACNA1S):c.514C>G (p.Pro172Ala)

Gene: CACNA1S (calcium voltage-gated channel subunit alpha1 S; minus strand). Cytogenetic location: 1q32.1.
Variant type: single nucleotide variant.
Coding change: c.514C>G on transcript NM_000069.3 (MANE Select); coding-DNA position 514, C replaced by G.
Protein change: p.Pro172Ala; replaces proline 172 with alanine.
Molecular consequence: missense variant.
Genome position (GRCh38, 1-based): chr1:201,091,999, G>C on the plus strand (C>G on the coding strand, the complement: CACNA1S is on the minus strand). VCF-style: chr1-201091999-G-C. GRCh37 (hg19) VCF-style: chr1-201061127-G-C.
Other names: short protein forms P172A.
Identifiers: ClinVar variation 4758914 (VCV004758914.1).

ClinVar aggregate classification (germline): Uncertain significance (1 of 4 stars; one submission).

Conditions:
Malignant hyperthermia, susceptibility to, 5 (MHS5). Also called: CACNA1S-Related Malignant Hyperthermia Susceptibility. Identifiers: Orphanet 423, MedGen C1866077, MONDO:0011163, OMIM 601887.

Submission:

Color Diagnostics, LLC DBA Color Health
Classification: Uncertain significance for Malignant hyperthermia, susceptibility to, 5. Last evaluated: 2025-07-14. Review status: criteria provided, single submitter. Criteria: ACMG Guidelines, 2015. Collection method: clinical testing. Allele origin: germline.
Comment: This missense variant replaces proline with alanine at codon 172 of the CACNA1S protein. Computational prediction suggests that this variant may have deleterious impact on protein structure and function. To our knowledge, functional studies have not been reported for this variant. This variant has not been reported in individuals affected with CACNA1S-related disorders in the literature. This variant has not been identified in the general population by the Genome Aggregation Database (gnomAD). The available evidence is insufficient to determine the role of this variant in disease conclusively. Therefore, this variant is classified as a Variant of Uncertain Significance.